The following is an entry in ClinVar:

ClinVar aggregate classification (germline): Pathogenic (1 of 4 stars; one submission).

Conditions:
Familial adenomatous polyposis 2. Also called: MUTYH-associated polyposis; MUTYH-related attenuated familial adenomatous polyposis; COLORECTAL ADENOMATOUS POLYPOSIS, AUTOSOMAL RECESSIVE; ADENOMAS, MULTIPLE COLORECTAL, AUTOSOMAL RECESSIVE; MUTYH Polyposis; MYH-associated polyposis. Identifiers: Orphanet 220460, Orphanet 247798, MedGen C3272841, MONDO:0012041, OMIM 608456.

Submission:

Labcorp Genetics (formerly Invitae), Labcorp
Classification: Pathogenic for Familial adenomatous polyposis 2. Last evaluated: 2021-12-14. Review status: criteria provided, single submitter. Criteria: Invitae Variant Classification Sherloc (09022015). Collection method: clinical testing. Allele origin: germline.
Comment: For these reasons, this variant has been classified as Pathogenic. Algorithms developed to predict the effect of sequence changes on RNA splicing suggest that this variant may create or strengthen a splice site. This sequence change creates a premature translational stop signal (p.Ser9Argfs*32) in the MUTYH gene. It is expected to result in an absent or disrupted protein product. Loss-of-function variants in MUTYH are known to be pathogenic (PMID: 18534194, 20663686). This variant is not present in population databases (gnomAD no frequency). This variant has not been reported in the literature in individuals affected with MUTYH-related conditions.

Literature cited by the submitters: PubMed 18534194; PubMed 20663686.

NM_001128425.2(MUTYH):c.27_28del (p.Ser9fs)

Genes: MUTYH (mutY DNA glycosylase; minus strand), TOE1 (target of EGR1, exonuclease; plus strand). Cytogenetic location: 1p34.1.
Variant type: Deletion.
Coding change: c.27_28del on transcript NM_001128425.2 (MANE Plus Clinical); coding-DNA positions 27 to 28, 2 bases deleted (TC; older notation c.27_28delTC).
Protein change: p.Ser9fs; shifts the reading frame from serine 9.
Molecular consequence: frameshift variant. On other transcripts: 5 prime UTR variant (8), non-coding transcript variant (3).
Genome position (GRCh38, 1-based): chr1:45,340,227-45,340,228, GA deleted on the plus strand (TC on the coding strand, the reverse complement: MUTYH is on the minus strand). VCF-style (leftmost placement, unchanged base first): chr1-45340226-CGA-C. GRCh37 (hg19) VCF-style: chr1-45805898-CGA-C.
Other names: c.-26_-25del (NM_025077.4); c.-16_-15del (NM_001048171.2); c.27_28del, p.Ser9fs (NM_001293190.2, NM_001407069.1, NM_001407073.1 and 1 more transcripts); c.-228_-227del (NM_001293192.2); c.-287_-286del (NM_001350650.2); c.-223_-222del (NM_001350651.2); c.-32_-31del (NM_001407070.1, NM_001407071.1); c.-12_-11del (NM_001407072.1); short protein forms S9fs.
Identifiers: ClinVar variation 2042680 (VCV002042680.4), dbSNP rs2524698721, ClinGen allele CA2580062957.